The following is an entry in ClinVar:

NM_001267550.2(TTN):c.98966C>G (p.Pro32989Arg)

Genes: TTN (titin; minus strand), TTN-AS1 (TTN antisense RNA 1; plus strand). Cytogenetic location: 2q31.2.
Variant type: single nucleotide variant.
Coding change: c.98966C>G on transcript NM_001267550.2 (MANE Select); coding-DNA position 98966, C replaced by G.
Protein change: p.Pro32989Arg; replaces proline 32989 with arginine.
Molecular consequence: missense variant. On other transcripts: non-coding transcript variant (1).
Genome position (GRCh38, 1-based): chr2:178,538,969, G>C on the plus strand (C>G on the coding strand, the complement: TTN is on the minus strand). VCF-style: chr2-178538969-G-C. GRCh37 (hg19) VCF-style: chr2-179403696-G-C.
Other names: c.94043C>G, p.Pro31348Arg (NM_001256850.1); c.71771C>G, p.Pro23924Arg (NM_003319.4); c.91262C>G, p.Pro30421Arg (NM_133378.4); c.72146C>G, p.Pro24049Arg (NM_133432.3); c.72347C>G, p.Pro24116Arg (NM_133437.4); short protein forms P23924R, P24116R, P30421R, P24049R, P31348R, P32989R.
Identifiers: ClinVar variation 1757492 (VCV001757492.2), dbSNP rs757583081, ClinGen allele CA349431260.

ClinVar aggregate classification (germline): Uncertain significance (1 of 4 stars; one submission).

Conditions:
Cardiovascular phenotype. Identifiers: MedGen CN230736.

gnomAD v4.1: 1 of 1,608,724 alleles (0.000062%); highest among the groups gnomAD compares: Non-Finnish European, 0.000085%; no homozygotes.

Submission:

Ambry Genetics
Classification: Uncertain significance for Cardiovascular phenotype. Last evaluated: 2020-05-29. Review status: criteria provided, single submitter. Criteria: Ambry Variant Classification Scheme 2023. Collection method: clinical testing. Allele origin: germline.
Comment: The p.P23924R variant (also known as c.71771C>G), located in coding exon 180 of the TTN gene, results from a C to G substitution at nucleotide position 71771. The proline at codon 23924 is replaced by arginine, an amino acid with dissimilar properties. This amino acid position is well conserved in available vertebrate species. In addition, this alteration is predicted to be tolerated by in silico analysis. Since supporting evidence is limited at this time, the clinical significance of this alteration remains unclear.